The following is an entry in ClinVar:

ClinVar aggregate classification (germline): Uncertain significance (1 of 4 stars; one submission).

Conditions:
CHD7-related CHARGE syndrome. Identifiers: MedGen CN380413, MONDO:1010178, OMIM 214800.
Hypogonadotropic hypogonadism 5 with or without anosmia (KAL5). Also called: HYPOGONADOTROPIC HYPOGONADISM 5 WITH ANOSMIA; HYPOGONADOTROPHIC HYPOGONADISM 5 WITHOUT ANOSMIA; CHD7-Related GnRH Deficiency (Kallmann Syndrome 5). Identifiers: Orphanet 478, MedGen C3552553, MONDO:0012880, OMIM 612370. Disease mechanism: loss of function.

Submission:

Juno Genomics, Hangzhou Juno Genomics, Inc
Classification: Uncertain significance for CHD7-related CHARGE syndrome; Hypogonadotropic hypogonadism 5 with or without anosmia. Review status: criteria provided, single submitter. Criteria: ACMG Guidelines, 2015. Collection method: clinical testing. Allele origin: germline.
Comment: Absent from controls (or at extremely low frequency if recessive) in Genome Aggregation Database.;Missense variant in a gene that has a low rate of benign missense variation.;Multiple lines of computational evidence support a deleterious effect on the gene or gene product.

NM_017780.4(CHD7):c.3203G>A (p.Gly1068Asp)

Gene: CHD7 (chromodomain helicase DNA binding protein 7; plus strand). Cytogenetic location: 8q12.2.
Variant type: single nucleotide variant.
Coding change: c.3203G>A on transcript NM_017780.4 (MANE Select); coding-DNA position 3203, G replaced by A.
Protein change: p.Gly1068Asp; replaces glycine 1068 with aspartic acid.
Molecular consequence: missense variant. On other transcripts: intron variant (1).
Genome position (GRCh38, 1-based): chr8:60,823,841, G>A. VCF-style: chr8-60823841-G-A. GRCh37 (hg19) VCF-style: chr8-61736400-G-A.
Other names: c.1717-38388G>A (NM_001316690.1); short protein forms G1068D.
Identifiers: ClinVar variation 5007320 (VCV005007320.2).